The following is an entry in ClinVar:

ClinVar aggregate classification (germline): Likely benign (1 of 4 stars; one submission).

gnomAD v4.1: 8,534 of 1,613,980 alleles (0.53%); highest among the groups gnomAD compares: Non-Finnish European, 0.66%; 31 homozygotes.

Submission:

CeGaT Center for Human Genetics Tuebingen
Classification: Likely benign. Last evaluated: 2025-03-01. Review status: criteria provided, single submitter. Criteria: CeGaT Center For Human Genetics Tuebingen Variant Classification Criteria Version 2. Collection method: clinical testing. Allele origin: germline. Affected: yes. Observed: 1 variant allele.
Comment: PARM1: BP4, BS2

NM_015393.4(PARM1):c.295G>A (p.Gly99Ser)

Gene: PARM1 (prostate androgen-regulated mucin-like protein 1; plus strand). Cytogenetic location: 4q13.3.
Variant type: single nucleotide variant.
Coding change: c.295G>A on transcript NM_015393.4 (MANE Select); coding-DNA position 295, G replaced by A.
Protein change: p.Gly99Ser; replaces glycine 99 with serine.
Molecular consequence: missense variant.
Genome position (GRCh38, 1-based): chr4:75,012,676, G>A. VCF-style: chr4-75012676-G-A. GRCh37 (hg19) VCF-style: chr4-75937886-G-A.
Other names: short protein forms G99S.
Identifiers: ClinVar variation 3777861 (VCV003777861.7).